The following is an entry in ClinVar:

NM_004380.3(CREBBP):c.6490C>T (p.Leu2164=)

Gene: CREBBP (CREB binding lysine acetyltransferase; minus strand). Cytogenetic location: 16p13.3.
Variant type: single nucleotide variant.
Coding change: c.6490C>T on transcript NM_004380.3 (MANE Select); coding-DNA position 6490, C replaced by T.
Protein change: p.Leu2164=; no amino-acid change (leucine 2164 retained).
Molecular consequence: synonymous variant.
Genome position (GRCh38, 1-based): chr16:3,728,557, G>A on the plus strand (C>T on the coding strand, the complement: CREBBP is on the minus strand). VCF-style: chr16-3728557-G-A. GRCh37 (hg19) VCF-style: chr16-3778558-G-A.
Other names: c.6376C>T, p.Leu2126= (NM_001079846.1).
Identifiers: ClinVar variation 3352167 (VCV003352167.2).
Genomic context (GRCh38, chr16:3,728,557, plus strand): 5'-TCGCCATGTTGGGGTTGTGTCCTGGGTTCATGATGTTCAAGGCCTGGCCCTGGGGGTTCA[G>A]GCCTCCCATCGCCTGCTGCTGTGGAGGCACACCGGGCCGCGGCACGCCAGCCTGCATGGC-3'
Protein context (NP_004371.2, residues 2154-2174): VPPQQQAMGG[Leu2164=]NPQGQALNIM

ClinVar aggregate classification (germline): Likely benign. Review status: criteria provided, single submitter (1 of 4 stars). 2 submissions from 2 submitters: Likely benign (1). 1 of the submissions does not count toward it. Last evaluated 2025-05-06.

Conditions:
CREBBP-related disorder. Also called: CREBBP-related condition; CREBBP-related disorders.

gnomAD v4.1: 205 of 1,613,932 alleles (0.013%); highest among the groups gnomAD compares: Non-Finnish European, 0.017%; no homozygotes.

Submissions (2):

Women's Health and Genetics/Laboratory Corporation of America, LabCorp
Classification: Likely benign. Last evaluated: 2025-05-06. Review status: criteria provided, single submitter. Criteria: LabCorp Variant Classification Summary - May 2015. Collection method: clinical testing. Allele origin: germline.

PreventionGenetics, part of Exact Sciences
Classification: Likely benign for CREBBP-related condition. Last evaluated: 2024-08-22. Review status: no assertion criteria provided. Collection method: clinical testing. Allele origin: germline. Not counted in ClinVar's aggregate classification.
Comment: This variant is classified as likely benign based on ACMG/AMP sequence variant interpretation guidelines (Richards et al. 2015 PMID: 25741868, with internal and published modifications).